The following is an entry in ClinVar:

NM_018979.4(WNK1):c.2373+20_2373+21dup

Gene: WNK1 (WNK lysine deficient protein kinase 1; plus strand). Cytogenetic location: 12p13.33.
Variant type: Duplication.
Coding change: c.2373+20_2373+21dup on transcript NM_018979.4 (MANE Select); bases 20 to 21 of the intron after coding-DNA position 2373, 2 bases duplicated (TT; older notation c.2373+20_2373+21dupTT).
Molecular consequence: intron variant.
Genome position (GRCh38, 1-based): chr12:878,381-878,382, TT duplicated; duplicating any 2 consecutive bases within chr12:878,368-878,382 gives the same sequence; the c. name uses the placement nearest the transcript's 3' end. VCF-style (leftmost placement, unchanged base first): chr12-878367-C-CTT. GRCh37 (hg19) VCF-style: chr12-987533-C-CTT.
Other names: p.?; c.3867+20_3867+21dup (NM_213655.5); c.3612+20_3612+21dup (NM_001184985.2); c.2370+20_2370+21dup (NM_014823.3).
Identifiers: ClinVar variation 703137 (VCV000703137.5), dbSNP rs5795952, ClinGen allele CA6382451.

ClinVar aggregate classification (germline): Benign/Likely benign. Review status: criteria provided, multiple submitters, no conflicts (2 of 4 stars). 3 submissions from 3 submitters: Benign (2); Likely benign (1). Last evaluated 2024-11-27.

Submissions (3):

Blueprint Genetics
Classification: Likely benign. Last evaluated: 2024-11-27. Review status: criteria provided, single submitter. Criteria: ACMG Guidelines, 2015. Collection method: clinical testing. Allele origin: germline.

Mayo Clinic Laboratories, Mayo Clinic
Classification: Benign. Last evaluated: 2023-01-13. Review status: criteria provided, single submitter. Criteria: ACMG Guidelines, 2015. Collection method: clinical testing. Allele origin: germline. Observed: 221 variant alleles.
Comment: BS1, BP3, BP4, BP7

Labcorp Genetics (formerly Invitae), Labcorp
Classification: Benign. Last evaluated: 2017-08-09. Review status: criteria provided, single submitter. Criteria: Invitae Variant Classification Sherloc (09022015). Collection method: clinical testing. Allele origin: germline.